The following is an entry in ClinVar:

ClinVar aggregate classification (germline): Uncertain significance (1 of 4 stars; one submission).

Conditions:
Charcot-Marie-Tooth disease, type I (CMT1). Also called: Charcot-Marie-Tooth, Type 1; Charcot-Marie-Tooth disease type 1. Identifiers: Orphanet 65753, MedGen C0751036, MONDO:0019011.

Submission:

Labcorp Genetics (formerly Invitae), Labcorp
Classification: Uncertain significance for Charcot-Marie-Tooth disease, type I. Last evaluated: 2022-10-10. Review status: criteria provided, single submitter. Criteria: Invitae Variant Classification Sherloc (09022015). Collection method: clinical testing. Allele origin: germline.
Comment: In summary, the available evidence is currently insufficient to determine the role of this variant in disease. Therefore, it has been classified as a Variant of Uncertain Significance. This variant has not been reported in the literature in individuals affected with MPZ-related conditions. Advanced modeling of protein sequence and biophysical properties (such as structural, functional, and spatial information, amino acid conservation, physicochemical variation, residue mobility, and thermodynamic stability) performed at Invitae indicates that this missense variant is not expected to disrupt MPZ protein function. This variant disrupts the p.Pro70 amino acid residue in MPZ. Other variant(s) that disrupt this residue have been determined to be pathogenic (PMID: 17940173, 29687021). This suggests that this residue is clinically significant, and that variants that disrupt this residue are likely to be disease-causing. This variant is not present in population databases (gnomAD no frequency). This sequence change replaces proline, which is neutral and non-polar, with histidine, which is basic and polar, at codon 70 of the MPZ protein (p.Pro70His).

Literature cited by the submitters: PubMed 17940173; PubMed 29687021.

NM_000530.8(MPZ):c.209C>A (p.Pro70His)

Gene: MPZ (myelin protein zero; minus strand). Cytogenetic location: 1q23.3.
Variant type: single nucleotide variant.
Coding change: c.209C>A on transcript NM_000530.8 (MANE Select); coding-DNA position 209, C replaced by A.
Protein change: p.Pro70His; replaces proline 70 with histidine.
Molecular consequence: missense variant.
Genome position (GRCh38, 1-based): chr1:161,307,283, G>T on the plus strand (C>A on the coding strand, the complement: MPZ is on the minus strand). VCF-style: chr1-161307283-G-T. GRCh37 (hg19) VCF-style: chr1-161277073-G-T.
Other names: c.209C>A, p.Pro70His (NM_001315491.2); short protein forms P70H.
Identifiers: ClinVar variation 2117747 (VCV002117747.4), dbSNP rs1571819875, ClinGen allele CA343350426.
Genomic context (GRCh38, chr1:161,307,283, plus strand): 5'-TGTTATCCAACCCCAGGATTCCCCCAGGCACTCACCGAAATGGCATCTCTGCCCCCTTCG[G>T]GCTGGTAGCGCCAGGTGAAGGAGATGTCATCTGAGACCCACTCACTGGACCAGAAGGAGC-3'
Protein context (NP_000521.2, residues 60-80): DDISFTWRYQ[Pro70His]EGGRDAISIF